The following is an entry in ClinVar:

ClinVar aggregate classification (germline): Likely benign. Review status: criteria provided, single submitter (1 of 4 stars). 2 submissions from 2 submitters: Likely benign (1). 1 of the submissions does not count toward it. Last evaluated 2026-01-21.

Conditions:
Immunodeficiency. Identifiers: MedGen C0021051, MONDO:0021094, HP:0002721.
NFAT5-related disorder. Also called: NFAT5-related condition.

Submissions (2):

Labcorp Genetics (formerly Invitae), Labcorp
Classification: Likely benign for Immunodeficiency. Last evaluated: 2026-01-21. Review status: criteria provided, single submitter. Criteria: Invitae Variant Classification Sherloc (09022015). Collection method: clinical testing. Allele origin: germline.

PreventionGenetics, part of Exact Sciences
Classification: Likely benign for NFAT5-related condition. Last evaluated: 2022-04-01. Review status: no assertion criteria provided. Collection method: clinical testing. Allele origin: germline. Not counted in ClinVar's aggregate classification.
Comment: This variant is classified as likely benign based on ACMG/AMP sequence variant interpretation guidelines (Richards et al. 2015 PMID: 25741868, with internal and published modifications).

NM_138713.4(NFAT5):c.2691_2693del (p.Gln906del)

Gene: NFAT5 (nuclear factor of activated T cells 5; plus strand). Cytogenetic location: 16q22.1.
Variant type: Deletion.
Coding change: c.2691_2693del on transcript NM_138713.4 (MANE Select); coding-DNA positions 2691 to 2693, 3 bases deleted (ACA; older notation c.2691_2693delACA).
Protein change: p.Gln906del; deletes glutamine 906.
Molecular consequence: inframe deletion.
Genome position (GRCh38, 1-based): chr16:69,692,516-69,692,518, ACA deleted; deleting any 3 consecutive bases within chr16:69,692,514-69,692,518 gives the same sequence; the c. name uses the placement nearest the transcript's 3' end. VCF-style (leftmost placement, unchanged base first): chr16-69692513-TCAA-T. GRCh37 (hg19) VCF-style: chr16-69726416-TCAA-T.
Other names: c.2409_2411del (NM_138714.3); c.2688_2690del, p.Gln905del (NM_001113178.3); c.2016_2018del, p.Gln681del (NM_001367709.1); c.2637_2639del, p.Gln888del (NM_006599.4); c.2409_2411del, p.Gln812del (NM_138714.4, NM_173214.3, NM_173215.3); c.2691_2693del, p.Gln906del (LRG_1332t1); short protein forms Q812del, Q906del, Q681del, Q888del, Q905del.
Identifiers: ClinVar variation 456657 (VCV000456657.13), dbSNP rs542353221, ClinGen allele CA8135790.